The following is an entry in ClinVar:

ClinVar aggregate classification (germline): Uncertain significance (1 of 4 stars; one submission).

Submission:

Greenwood Genetic Center Diagnostic Laboratories, Greenwood Genetic Center
Classification: Uncertain significance. Last evaluated: 2022-03-15. Review status: criteria provided, single submitter. Criteria: ACMG Guidelines, 2015. Collection method: clinical testing. Allele origin: germline. Affected: yes.
Comment: PM2, PP3

NM_022455.5(NSD1):c.927+5G>A

Gene: NSD1 (nuclear receptor binding SET domain protein 1; plus strand). Cytogenetic location: 5q35.3.
Variant type: single nucleotide variant.
Coding change: c.927+5G>A on transcript NM_022455.5 (MANE Select); 5 bases into the intron after coding-DNA position 927, G replaced by A.
Molecular consequence: intron variant.
Genome position (GRCh38, 1-based): chr5:177,136,035, G>A. VCF-style: chr5-177136035-G-A. GRCh37 (hg19) VCF-style: chr5-176563036-G-A.
Other names: c.927+5G>A (NM_001409301.1, NM_001409302.1, NM_001409303.1); c.507+5G>A (NM_001409304.1); c.54+5G>A (NM_001409305.1, NM_001409306.1, NM_001409308.1 and 4 more transcripts).
Identifiers: ClinVar variation 1676490 (VCV001676490.3), dbSNP rs2149757213, ClinGen allele CA2573139452.